The following is an entry in ClinVar:

NM_001374828.1(ARID1B):c.3602C>G (p.Thr1201Ser)

Gene: ARID1B (AT-rich interaction domain 1B; plus strand). Cytogenetic location: 6q25.3.
Variant type: single nucleotide variant.
Coding change: c.3602C>G on transcript NM_001374828.1 (MANE Select); coding-DNA position 3602, C replaced by G.
Protein change: p.Thr1201Ser; replaces threonine 1201 with serine.
Molecular consequence: missense variant.
Genome position (GRCh38, 1-based): chr6:157,181,066, C>G. VCF-style: chr6-157181066-C-G. GRCh37 (hg19) VCF-style: chr6-157502200-C-G.
Other names: c.3353C>G, p.Thr1118Ser (NM_001346813.1); c.1103C>G, p.Thr368Ser (NM_001363725.2); c.3482C>G, p.Thr1161Ser (NM_001371656.1, NM_001374820.1); c.3443C>G, p.Thr1148Ser (NM_017519.3); c.3233C>G, p.Thr1078Ser (NM_020732.3); c.3020C>G, p.Thr1007Ser (NM_175863.2); short protein forms T1007S, T1161S, T368S, T1201S, T1078S, T1118S, T1148S.
Identifiers: ClinVar variation 2162075 (VCV002162075.4), dbSNP rs773082217, ClinGen allele CA366227698.
Genomic context (GRCh38, chr6:157,181,066, plus strand): 5'-CGAAGGTGTACGAGCTGGGGAATGAGCCAGAGAGAAAGCTCTGGGTCGACCGATACCTCA[C>G]CTTCATGGAAGAGAGAGGCTCTCCTGTCTCAAGTCTGCCTGCCGTGGGCAAGAAGCCCCT-3'
Protein context (NP_001361757.1, residues 1191-1211): ERKLWVDRYL[Thr1201Ser]FMEERGSPVS

ClinVar aggregate classification (germline): Uncertain significance (1 of 4 stars; one submission).

Allele frequency attached by ClinVar (database versions not stated): gnomAD 0.00001.
gnomAD v4.1: 6 of 1,614,064 alleles (0.00037%); highest among the groups gnomAD compares: Admixed American, 0.0083%; no homozygotes.

Submission:

Labcorp Genetics (formerly Invitae), Labcorp
Classification: Uncertain significance. Last evaluated: 2026-01-21. Review status: criteria provided, single submitter. Criteria: Invitae Variant Classification Sherloc (09022015). Collection method: clinical testing. Allele origin: germline.
Comment: This sequence change replaces threonine, which is neutral and polar, with serine, which is neutral and polar, at codon 1078 of the ARID1B protein (p.Thr1078Ser). This variant is present in population databases (no rsID available, gnomAD 0.009%). This variant has not been reported in the literature in individuals affected with ARID1B-related conditions. ClinVar contains an entry for this variant (Variation ID: 2162075). Invitae Evidence Modeling of protein sequence and biophysical properties (such as structural, functional, and spatial information, amino acid conservation, physicochemical variation, residue mobility, and thermodynamic stability) indicates that this missense variant is not expected to disrupt ARID1B protein function with a negative predictive value of 95%. In summary, the available evidence is currently insufficient to determine the role of this variant in disease. Therefore, it has been classified as a Variant of Uncertain Significance.